The following is an entry in ClinVar:

NM_001174147.2(LMX1B):c.227G>A (p.Trp76Ter)

Gene: LMX1B (LIM homeobox transcription factor 1 beta; plus strand). Cytogenetic location: 9q33.3.
Variant type: single nucleotide variant.
Coding change: c.227G>A on transcript NM_001174147.2 (MANE Select); coding-DNA position 227, G replaced by A.
Protein change: p.Trp76Ter; replaces tryptophan 76 with a stop codon.
Molecular consequence: nonsense.
Genome position (GRCh38, 1-based): chr9:126,615,470, G>A. VCF-style: chr9-126615470-G-A. GRCh37 (hg19) VCF-style: chr9-129377749-G-A.
Other names: c.227G>A, p.Trp76Ter (NM_001174146.2, NM_002316.4); short protein forms W76*.
Identifiers: ClinVar variation 265489 (VCV000265489.2), dbSNP rs886039574, ClinGen allele CA10588464.

ClinVar aggregate classification (germline): Pathogenic (1 of 4 stars; one submission).

Submission:

GeneDx
Classification: Pathogenic. Last evaluated: 2017-07-10. Review status: criteria provided, single submitter. Criteria: GeneDx Variant Classification (06012015). Collection method: clinical testing. Allele origin: germline. Affected: yes.
Comment: The W76X pathogenic variant in the LMX1B gene has been reported previously in association with nail-patella syndrome (Dunston et al., 2004). This variant is predicted to cause loss of normal protein function either through protein truncation or nonsense-mediated mRNA decay. The W76X variant was not observed in approximately 6500 individuals of European and African American ancestry in the NHLBI Exome Sequencing Project, indicating it is not a common benign variant in these populations. We interpret W76X as a pathogenic variant.